The following is an entry in ClinVar:

NM_001005273.3(CHD3):c.5817C>T (p.Pro1939=)

Gene: CHD3 (chromodomain helicase DNA binding protein 3; plus strand). Cytogenetic location: 17p13.1.
Variant type: single nucleotide variant.
Coding change: c.5817C>T on transcript NM_001005273.3 (MANE Select); coding-DNA position 5817, C replaced by T.
Protein change: p.Pro1939=; no amino-acid change (proline 1939 retained).
Molecular consequence: synonymous variant. On other transcripts: missense variant (1).
Genome position (GRCh38, 1-based): chr17:7,910,909, C>T. VCF-style: chr17-7910909-C-T. GRCh37 (hg19) VCF-style: chr17-7814227-C-T.
Other names: c.5994C>T, p.Pro1998= (NM_001005271.3); c.6040C>T, p.Arg2014Cys (NM_001437504.1); c.5982C>T, p.Pro1994= (NM_001437507.1); c.5880C>T, p.Pro1960= (NM_001437508.1); c.5985C>T, p.Pro1995= (NM_001437509.1); c.5715C>T, p.Pro1905= (NM_005852.4); short protein forms R2014C.
Identifiers: ClinVar variation 4281203 (VCV004281203.7).
Genomic context (GRCh38, chr17:7,910,909, plus strand): 5'-CTACCCGCCGGGTCCCTACGCTACACCTCCGGGGTACGGGGCGGCCTTCAGCGCCGCACC[C>T]GTAGGGGCCCTGGCCGCCGCAGGCGCCAATTACAGCCAGATGCCTGCAGGGTCCTTCATC-3'
Protein context (NP_001005273.1, residues 1929-1949): PGYGAAFSAA[Pro1939=]VGALAAAGAN

ClinVar aggregate classification (germline): Likely benign (1 of 4 stars; one submission).

Submission:

CeGaT Center for Human Genetics Tuebingen
Classification: Likely benign. Last evaluated: 2025-09-01. Review status: criteria provided, single submitter. Criteria: CeGaT Center For Human Genetics Tuebingen Variant Classification Criteria Version 2. Collection method: clinical testing. Allele origin: germline. Affected: yes. Observed: 1 variant allele.
Comment: CHD3: BP4